The following is an entry in ClinVar:

ClinVar aggregate classification (germline): Benign/Likely benign. Review status: criteria provided, multiple submitters, no conflicts (2 of 4 stars). 4 submissions from 4 submitters: Benign (1); Likely benign (2). 1 of the submissions does not count toward it. Last evaluated 2025-12-15.

Conditions:
IFT172-related disorder. Also called: IFT172-related condition; IFT172-related disorders.
Retinitis pigmentosa 71 (RP71). Identifiers: Orphanet 791, MedGen C4225342, MONDO:0014618, OMIM 616394.
Short-rib thoracic dysplasia 10 with or without polydactyly (SRTD10). Identifiers: Orphanet 474, MedGen C3810175, MONDO:0014284, OMIM 615630.
Retinal dystrophy. Also called: Inherited retinal dystrophy. Identifiers: Orphanet 71862, MedGen C0854723, MeSH D058499, MONDO:0019118, HP:0000556.

Allele frequency attached by ClinVar (database versions not stated): gnomAD exomes 0.00003 and 0.00018; TOPMed 0.00003; gnomAD 0.00005; ExAC 0.00018.
gnomAD v4.1: 46 of 1,606,450 alleles (0.0029%); highest among the groups gnomAD compares: East Asian, 0.085%; no homozygotes.

Submissions (4):

Labcorp Genetics (formerly Invitae), Labcorp
Classification: Likely benign for Retinitis pigmentosa 71; Short-rib thoracic dysplasia 10 with or without polydactyly. Last evaluated: 2025-12-15. Review status: criteria provided, single submitter. Criteria: Invitae Variant Classification Sherloc (09022015). Collection method: clinical testing. Allele origin: germline.

Dept Of Ophthalmology, Nagoya University
Classification: Likely benign for Retinal dystrophy. Last evaluated: 2023-10-01. Review status: criteria provided, single submitter. Criteria: Submitter's publication. Collection method: research. Allele origin: germline. Affected: yes.

Blueprint Genetics
Classification: Benign. Last evaluated: 2023-05-16. Review status: criteria provided, single submitter. Criteria: ACMG Guidelines, 2015. Collection method: clinical testing. Allele origin: germline.

PreventionGenetics, part of Exact Sciences
Classification: Likely benign for IFT172-related condition. Last evaluated: 2022-11-28. Review status: no assertion criteria provided. Collection method: clinical testing. Allele origin: germline. Not counted in ClinVar's aggregate classification.
Comment: This variant is classified as likely benign based on ACMG/AMP sequence variant interpretation guidelines (Richards et al. 2015 PMID: 25741868, with internal and published modifications).

NM_015662.3(IFT172):c.1678A>G (p.Met560Val)

Gene: IFT172 (intraflagellar transport 172; minus strand). Cytogenetic location: 2p23.3.
Variant type: single nucleotide variant.
Coding change: c.1678A>G on transcript NM_015662.3 (MANE Select); coding-DNA position 1678, A replaced by G.
Protein change: p.Met560Val; replaces methionine 560 with valine.
Molecular consequence: missense variant.
Genome position (GRCh38, 1-based): chr2:27,470,942, T>C on the plus strand (A>G on the coding strand, the complement: IFT172 is on the minus strand). VCF-style: chr2-27470942-T-C. GRCh37 (hg19) VCF-style: chr2-27693809-T-C.
Other names: c.1678A>G (NM_015662.2); short protein forms M560V.
Identifiers: ClinVar variation 1121359 (VCV001121359.13), dbSNP rs763516858, ClinGen allele CA1580573.
Genomic context (GRCh38, chr2:27,470,942, plus strand): 5'-TAATCAGCTCAATACCACATCTGAGGGCCCCTAGTGTCCAACATACCCTAATAGTGAACA[T>C]GGTGACTCTCTCAGGTGCCTCAATGTTGTACCATACACACAGACTGTTTCGGTTCTGAGC-3'
Protein context (NP_056477.1, residues 550-570): YNIEAPERVT[Met560Val]FTIRGDVIGL